The following is an entry in ClinVar:

ClinVar aggregate classification (germline): Uncertain significance (1 of 4 stars; one submission).

Conditions:
Cholestanol storage disease (CTX). Also called: Cerebrotendinous Xanthomatosis; CEREBRAL CHOLESTERINOSIS; CTX: Cerebrotendinous xanthomatosis. Identifiers: Orphanet 909, MedGen C0238052, MONDO:0008948, OMIM 213700.

Submission:

Labcorp Genetics (formerly Invitae), Labcorp
Classification: Uncertain significance for Cholestanol storage disease. Last evaluated: 2022-07-15. Review status: criteria provided, single submitter. Criteria: Invitae Variant Classification Sherloc (09022015). Collection method: clinical testing. Allele origin: germline.
Comment: This sequence change replaces valine, which is neutral and non-polar, with glycine, which is neutral and non-polar, at codon 399 of the CYP27A1 protein (p.Val399Gly). This variant is not present in population databases (gnomAD no frequency). This variant has not been reported in the literature in individuals affected with CYP27A1-related conditions. Advanced modeling of protein sequence and biophysical properties (such as structural, functional, and spatial information, amino acid conservation, physicochemical variation, residue mobility, and thermodynamic stability) performed at Invitae indicates that this missense variant is expected to disrupt CYP27A1 protein function. In summary, the available evidence is currently insufficient to determine the role of this variant in disease. Therefore, it has been classified as a Variant of Uncertain Significance.

NM_000784.4(CYP27A1):c.1196T>G (p.Val399Gly)

Gene: CYP27A1 (cytochrome P450 family 27 subfamily A member 1; plus strand). Cytogenetic location: 2q35.
Variant type: single nucleotide variant.
Coding change: c.1196T>G on transcript NM_000784.4 (MANE Select); coding-DNA position 1196, T replaced by G.
Protein change: p.Val399Gly; replaces valine 399 with glycine.
Molecular consequence: missense variant.
Genome position (GRCh38, 1-based): chr2:218,814,391, T>G. VCF-style: chr2-218814391-T-G. GRCh37 (hg19) VCF-style: chr2-219679114-T-G.
Other names: short protein forms V399G.
Identifiers: ClinVar variation 2057910 (VCV002057910.1), dbSNP rs2105981055, ClinGen allele CA350593013.